The following is an entry in ClinVar:

NM_001105206.3(LAMA4):c.1334A>C (p.Glu445Ala)

Gene: LAMA4 (laminin subunit alpha 4; minus strand). Cytogenetic location: 6q21.
Variant type: single nucleotide variant.
Coding change: c.1334A>C on transcript NM_001105206.3 (MANE Select); coding-DNA position 1334, A replaced by C.
Protein change: p.Glu445Ala; replaces glutamic acid 445 with alanine.
Molecular consequence: missense variant.
Genome position (GRCh38, 1-based): chr6:112,175,336, T>G on the plus strand (A>C on the coding strand, the complement: LAMA4 is on the minus strand). VCF-style: chr6-112175336-T-G. GRCh37 (hg19) VCF-style: chr6-112496538-T-G.
Other names: c.1313A>C, p.Glu438Ala (NM_001105207.3, NM_002290.5); short protein forms E438A, E445A.
Identifiers: ClinVar variation 4797142 (VCV004797142.3).
Genomic context (GRCh38, chr6:112,175,336, plus strand): 5'-ACATGTGCTGGGTCAGCTATGAGAGGAATACACCTACGTTCGTAAGCCTCATCTGCCTCC[T>G]CATCCACGAGCTCCCGTTGGGTGAAAAATGGTTGACGGCTTCTAATCTCTTCAAGCATCT-3'
Protein context (NP_001098676.2, residues 435-455): PFFTQRELVD[Glu445Ala]EADEAYELLS

ClinVar aggregate classification (germline): Uncertain significance. Review status: criteria provided, multiple submitters, no conflicts (2 of 4 stars). 3 submissions from 3 submitters: Uncertain significance (3). Last evaluated 2026-02-09.

Conditions:
Dilated cardiomyopathy 1JJ (CMD1JJ). Identifiers: Orphanet 154, MedGen C3808935, MONDO:0014095, OMIM 615235.

gnomAD v4.1: 3 of 1,614,168 alleles (0.00019%); highest among the groups gnomAD compares: Non-Finnish European, 0.00025%; no homozygotes.

Submissions (3):

Women's Health and Genetics/Laboratory Corporation of America, LabCorp
Classification: Uncertain significance. Last evaluated: 2026-02-09. Review status: criteria provided, single submitter. Criteria: LabCorp Variant Classification Summary - May 2015. Collection method: clinical testing. Allele origin: germline.

GeneDx
Classification: Uncertain significance. Last evaluated: 2026-01-27. Review status: criteria provided, single submitter. Criteria: GeneDx Variant Classification Process June 2021. Collection method: clinical testing. Allele origin: germline.
Comment: Not observed at significant frequency in large population cohorts (gnomAD); In silico analysis suggests that this missense variant does not alter protein structure/function; Has not been previously published as pathogenic or benign to our knowledge

Labcorp Genetics (formerly Invitae), Labcorp
Classification: Uncertain significance for Dilated cardiomyopathy 1JJ. Last evaluated: 2025-11-25. Review status: criteria provided, single submitter. Criteria: Invitae Variant Classification Sherloc (09022015). Collection method: clinical testing. Allele origin: germline.
Comment: This sequence change replaces glutamic acid, which is acidic and polar, with alanine, which is neutral and non-polar, at codon 438 of the LAMA4 protein (p.Glu438Ala). This variant is not present in population databases (gnomAD no frequency). This variant has not been reported in the literature in individuals affected with LAMA4-related conditions. An algorithm developed to predict the effect of missense changes on protein structure and function outputs the following: PolyPhen-2: "Benign". The alanine amino acid residue is found in multiple mammalian species, which suggests that this missense change does not adversely affect protein function. In summary, the available evidence is currently insufficient to determine the role of this variant in disease. Therefore, it has been classified as a Variant of Uncertain Significance.